The following is an entry in ClinVar:

NM_001466.4(FZD2):c.248A>C (p.Gln83Pro)

Gene: FZD2 (frizzled class receptor 2; plus strand). Cytogenetic location: 17q21.31.
Variant type: single nucleotide variant.
Coding change: c.248A>C on transcript NM_001466.4 (MANE Select); coding-DNA position 248, A replaced by C.
Protein change: p.Gln83Pro; replaces glutamine 83 with proline.
Molecular consequence: missense variant.
Genome position (GRCh38, 1-based): chr17:44,557,936, A>C. VCF-style: chr17-44557936-A-C. GRCh37 (hg19) VCF-style: chr17-42635304-A-C.
Other names: short protein forms Q83P.
Identifiers: ClinVar variation 1718893 (VCV001718893.5), dbSNP rs1277393888, ClinGen allele CA399791003.

ClinVar aggregate classification (germline): Uncertain significance (1 of 4 stars; one submission).

Submission:

Labcorp Genetics (formerly Invitae), Labcorp
Classification: Uncertain significance. Last evaluated: 2022-09-06. Review status: criteria provided, single submitter. Criteria: Invitae Variant Classification Sherloc (09022015). Collection method: clinical testing. Allele origin: germline.
Comment: This variant has not been reported in the literature in individuals affected with FZD2-related conditions. This variant is present in population databases (no rsID available, gnomAD 0.0009%). This sequence change replaces glutamine, which is neutral and polar, with proline, which is neutral and non-polar, at codon 83 of the FZD2 protein (p.Gln83Pro). In summary, the available evidence is currently insufficient to determine the role of this variant in disease. Therefore, it has been classified as a Variant of Uncertain Significance. Algorithms developed to predict the effect of missense changes on protein structure and function (SIFT, PolyPhen-2, Align-GVGD) all suggest that this variant is likely to be disruptive.